The following is an entry in ClinVar:

ClinVar aggregate classification (germline): Likely benign (0 of 4 stars; one submission).

Conditions:
ADCY3-related disorder. Also called: ADCY3-related condition.

Allele frequency attached by ClinVar (database versions not stated): gnomAD 0.00001; gnomAD exomes 0.00001.
gnomAD v4.1: 21 of 1,613,998 alleles (0.0013%); highest among the groups gnomAD compares: Non-Finnish European, 0.0018%; no homozygotes.

Submission:

PreventionGenetics, part of Exact Sciences
Classification: Likely benign for ADCY3-related condition. Last evaluated: 2024-02-22. Review status: no assertion criteria provided. Collection method: clinical testing. Allele origin: germline.
Comment: This variant is classified as likely benign based on ACMG/AMP sequence variant interpretation guidelines (Richards et al. 2015 PMID: 25741868, with internal and published modifications).

NM_004036.5(ADCY3):c.438C>T (p.Leu146=)

Gene: ADCY3 (adenylate cyclase 3; minus strand). Cytogenetic location: 2p23.3.
Variant type: single nucleotide variant.
Coding change: c.438C>T on transcript NM_004036.5 (MANE Select); coding-DNA position 438, C replaced by T.
Protein change: p.Leu146=; no amino-acid change (leucine 146 retained).
Molecular consequence: synonymous variant.
Genome position (GRCh38, 1-based): chr2:24,918,550, G>A on the plus strand (C>T on the coding strand, the complement: ADCY3 is on the minus strand). VCF-style: chr2-24918550-G-A. GRCh37 (hg19) VCF-style: chr2-25141419-G-A.
Other names: c.438C>T, p.Leu146= (NM_001320613.2, NM_001377128.1, NM_001377129.1 and 2 more transcripts).
Identifiers: ClinVar variation 3035583 (VCV003035583.2), dbSNP rs1290152306, ClinGen allele CA425352824.